The following is an entry in ClinVar:

ClinVar aggregate classification (germline): Pathogenic (1 of 4 stars; one submission).

Conditions:
Primary ciliary dyskinesia. Also called: Ciliary dyskinesia. Identifiers: Orphanet 244, MedGen C0008780, MONDO:0016575, HP:0012265.

Submission:

Labcorp Genetics (formerly Invitae), Labcorp
Classification: Pathogenic for Primary ciliary dyskinesia. Last evaluated: 2020-06-21. Review status: criteria provided, single submitter. Criteria: Invitae Variant Classification Sherloc (09022015). Collection method: clinical testing. Allele origin: germline.
Comment: This variant has not been reported in the literature in individuals with RSPH4A-related conditions. Loss-of-function variants in RSPH4A are known to be pathogenic (PMID: 19200523). For these reasons, this variant has been classified as Pathogenic. This variant is not present in population databases (ExAC no frequency). This sequence change creates a premature translational stop signal (p.Thr69Aspfs*51) in the RSPH4A gene. It is expected to result in an absent or disrupted protein product.

Literature cited by the submitters: PubMed 19200523.

NM_001010892.3(RSPH4A):c.203dup (p.Thr69fs)

Gene: RSPH4A (radial spoke head component 4A; plus strand). Cytogenetic location: 6q22.1.
Variant type: Duplication.
Coding change: c.203dup on transcript NM_001010892.3 (MANE Select); coding-DNA position 203, one base duplicated (A; older notation c.203dupA).
Protein change: p.Thr69fs; shifts the reading frame from threonine 69.
Molecular consequence: frameshift variant.
Genome position (GRCh38, 1-based): chr6:116,616,826, A duplicated; the last of 2 consecutive A bases (chr6:116,616,825-116,616,826); duplicating either gives the same sequence. VCF-style (leftmost placement, unchanged base first): chr6-116616824-C-CA. GRCh37 (hg19) VCF-style: chr6-116937987-C-CA.
Other names: c.203dup, p.Thr69fs (NM_001161664.2); short protein forms T69fs.
Identifiers: ClinVar variation 1073812 (VCV001073812.7), dbSNP rs2115351044, ClinGen allele CA2499218045.
Genomic context (GRCh38, chr6:116,616,824, plus strand): 5'-GGGGCCAGAAACTGGACGCCAGTCCCGAAGCAGCCGTCCTTGGAGCCCGCAGTCTAGAGC[C>CA]AAGACGCCTCTGGGTGGCCCCGCGGGACCAGAAACATCATCACCTGCTCCTGTCTCTCCG-3'